The following is an entry in ClinVar:

NM_152383.5(DIS3L2):c.1294A>G (p.Thr432Ala)

Gene: DIS3L2 (DIS3 like 3'-5' exoribonuclease 2; plus strand). Cytogenetic location: 2q37.1.
Variant type: single nucleotide variant.
Coding change: c.1294A>G on transcript NM_152383.5 (MANE Select); coding-DNA position 1294, A replaced by G.
Protein change: p.Thr432Ala; replaces threonine 432 with alanine.
Molecular consequence: missense variant. On other transcripts: non-coding transcript variant (2).
Genome position (GRCh38, 1-based): chr2:232,238,622, A>G. VCF-style: chr2-232238622-A-G. GRCh37 (hg19) VCF-style: chr2-233103332-A-G.
Other names: c.1294A>G, p.Thr432Ala (NM_001257281.2); short protein forms T432A.
Identifiers: ClinVar variation 463056 (VCV000463056.10), dbSNP rs1553539264, ClinGen allele CA351154745.

ClinVar aggregate classification (germline): Uncertain significance (1 of 4 stars; one submission).

Conditions:
Perlman syndrome (PRLMNS). Identifiers: Orphanet 2849, MedGen C0796113, MONDO:0009965, OMIM 267000.

Submission:

Labcorp Genetics (formerly Invitae), Labcorp
Classification: Uncertain significance for Perlman syndrome. Last evaluated: 2019-11-16. Review status: criteria provided, single submitter. Criteria: Invitae Variant Classification Sherloc (09022015). Collection method: clinical testing. Allele origin: germline.
Comment: This sequence change replaces threonine with alanine at codon 432 of the DIS3L2 protein (p.Thr432Ala). The threonine residue is highly conserved and there is a small physicochemical difference between threonine and alanine. This variant is not present in population databases (ExAC no frequency). This variant has not been reported in the literature in individuals with DIS3L2-related disease. ClinVar contains an entry for this variant (Variation ID: 463056). Algorithms developed to predict the effect of missense changes on protein structure and function do not agree on the potential impact of this missense change (SIFT: "Deleterious"; PolyPhen-2: "Probably Damaging"; Align-GVGD: "Class C0"). In summary, the available evidence is currently insufficient to determine the role of this variant in disease. Therefore, it has been classified as a Variant of Uncertain Significance.